The following is an entry in ClinVar:

ClinVar aggregate classification (germline): Uncertain significance (1 of 4 stars; one submission).

Conditions:
DICER1-related tumor predisposition. Also called: DICER1-related pleuropulmonary blastoma cancer predisposition syndrome; DICER1 syndrome. Identifiers: Orphanet 284343, MedGen C3839822, MONDO:0100216.

Allele frequency attached by ClinVar (database versions not stated): gnomAD exomes below 0.00001.
gnomAD v4.1: 1 of 1,614,166 alleles (0.000062%); highest among the groups gnomAD compares: Non-Finnish European, 0.000085%; no homozygotes.

Submission:

Labcorp Genetics (formerly Invitae), Labcorp
Classification: Uncertain significance for DICER1-related tumor predisposition. Last evaluated: 2022-11-28. Review status: criteria provided, single submitter. Criteria: Invitae Variant Classification Sherloc (09022015). Collection method: clinical testing. Allele origin: germline.
Comment: In summary, the available evidence is currently insufficient to determine the role of this variant in disease. Therefore, it has been classified as a Variant of Uncertain Significance. Algorithms developed to predict the effect of missense changes on protein structure and function (SIFT, PolyPhen-2, Align-GVGD) all suggest that this variant is likely to be disruptive. ClinVar contains an entry for this variant (Variation ID: 1494386). This variant has not been reported in the literature in individuals affected with DICER1-related conditions. This variant is not present in population databases (gnomAD no frequency). This sequence change replaces serine, which is neutral and polar, with asparagine, which is neutral and polar, at codon 1823 of the DICER1 protein (p.Ser1823Asn).

NM_177438.3(DICER1):c.5468G>A (p.Ser1823Asn)

Gene: DICER1 (dicer 1, ribonuclease III; minus strand). Cytogenetic location: 14q32.13.
Variant type: single nucleotide variant.
Coding change: c.5468G>A on transcript NM_177438.3 (MANE Select); coding-DNA position 5468, G replaced by A.
Protein change: p.Ser1823Asn; replaces serine 1823 with asparagine.
Molecular consequence: missense variant. On other transcripts: intron variant (1).
Genome position (GRCh38, 1-based): chr14:95,091,262, C>T on the plus strand (G>A on the coding strand, the complement: DICER1 is on the minus strand). VCF-style: chr14-95091262-C-T. GRCh37 (hg19) VCF-style: chr14-95557599-C-T.
Other names: c.5468G>A, p.Ser1823Asn (NM_001271282.3, NM_001291628.2, NM_030621.4); c.5365-153G>A (NM_001195573.1); short protein forms S1823N.
Identifiers: ClinVar variation 1494386 (VCV001494386.7), dbSNP rs2139777295, ClinGen allele CA390864587.